The following is an entry in ClinVar:

NM_144573.4(NEXN):c.859C>T (p.Gln287Ter)

Gene: NEXN (nexilin F-actin binding protein; plus strand). Cytogenetic location: 1p31.1.
Variant type: single nucleotide variant.
Coding change: c.859C>T on transcript NM_144573.4 (MANE Select); coding-DNA position 859, C replaced by T.
Protein change: p.Gln287Ter; replaces glutamine 287 with a stop codon.
Molecular consequence: nonsense.
Genome position (GRCh38, 1-based): chr1:77,926,887, C>T. VCF-style: chr1-77926887-C-T. GRCh37 (hg19) VCF-style: chr1-78392572-C-T.
Other names: c.667C>T, p.Gln223Ter (NM_001172309.2); short protein forms Q223*, Q287*.
Identifiers: ClinVar variation 1027745 (VCV001027745.4), dbSNP rs1402442744, ClinGen allele CA340874710.

ClinVar aggregate classification (germline): Uncertain significance. Review status: criteria provided, multiple submitters, no conflicts (2 of 4 stars). 2 submissions from 2 submitters: Uncertain significance (2). Last evaluated 2025-02-11.

Conditions:
Cardiovascular phenotype. Identifiers: MedGen CN230736.
Dilated cardiomyopathy 1CC (CMD1CC). Identifiers: Orphanet 154, MedGen C2751084, MONDO:0013147, OMIM 613122.

Allele frequency attached by ClinVar (database versions not stated): gnomAD exomes below 0.00001.
gnomAD v4.1: 1 of 1,613,782 alleles (0.000062%); highest among the groups gnomAD compares: African/African-American, 0.0013%; no homozygotes.

Submissions (2):

Ambry Genetics
Classification: Uncertain significance for Cardiovascular phenotype. Last evaluated: 2025-02-11. Review status: criteria provided, single submitter. Criteria: Ambry Variant Classification Scheme 2023. Collection method: clinical testing. Allele origin: germline.
Comment: The p.Q287* variant (also known as c.859C>T), located in coding exon 7 of the NEXN gene, results from a C to T substitution at nucleotide position 859. This changes the amino acid from a glutamine to a stop codon within coding exon 7. Although biallelic loss of function alterations in NEXN have been associated with autosomal recessive NEXN-related cardiomyopathy, haploinsufficiency for NEXN has not been clearly established as a mechanism of disease for autosomal dominant NEXN-related cardiomyopathy. Based on the supporting evidence, this variant is expected to be causative of autosomal recessive NEXN-related cardiomyopathy when present along with a second pathogenic variant on the other allele; however, its clinical significance for autosomal dominant NEXN-related cardiomyopathy is unclear.

Baylor Genetics
Classification: Uncertain significance for Dilated cardiomyopathy 1CC. Last evaluated: 2020-06-03. Review status: criteria provided, single submitter. Criteria: ACMG Guidelines, 2015. Collection method: clinical testing. Allele origin: unknown. Affected: yes.
Comment: This variant was determined to be of uncertain significance according to ACMG Guidelines, 2015 [PMID:25741868].